The following is an entry in ClinVar:

NM_014611.3(MDN1):c.5664C>T (p.Phe1888=)

Gene: MDN1 (midasin AAA ATPase 1; minus strand). Cytogenetic location: 6q15.
Variant type: single nucleotide variant.
Coding change: c.5664C>T on transcript NM_014611.3 (MANE Select); coding-DNA position 5664, C replaced by T.
Protein change: p.Phe1888=; no amino-acid change (phenylalanine 1888 retained).
Molecular consequence: synonymous variant.
Genome position (GRCh38, 1-based): chr6:89,725,205, G>A on the plus strand (C>T on the coding strand, the complement: MDN1 is on the minus strand). VCF-style: chr6-89725205-G-A. GRCh37 (hg19) VCF-style: chr6-90434924-G-A.
Identifiers: ClinVar variation 3044351 (VCV003044351.2), dbSNP rs202108256, ClinGen allele CA3924785.
Genomic context (GRCh38, chr6:89,725,205, plus strand): 5'-AGTCTTATCCCCTCCGAGTCTATCTTTGGTCTCTATGGCAACAGCAAATCTTACCTGAGT[G>A]AATCTGTTAAGGAAAGACCTGGGCAAGCCTTTCCTCCCACCTCCTTGTCTAAAGGGATTC-3'
Protein context (NP_055426.1, residues 1878-1898): KGLPRSFLNR[Phe1888=]TQVFVDPLTV

ClinVar aggregate classification (germline): Benign (0 of 4 stars; one submission).

Conditions:
MDN1-related disorder. Also called: MDN1-related condition.

Allele frequency attached by ClinVar (database versions not stated): TOPMed 0.00005; gnomAD 0.00025; gnomAD exomes 0.00057; 1000 Genomes Project 30x 0.00109; ExAC 0.00113; 1000 Genomes Project 0.00120.
gnomAD v4.1: 884 of 1,613,874 alleles (0.055%); highest among the groups gnomAD compares: South Asian, 0.91%; 9 homozygotes.

Submission:

PreventionGenetics, part of Exact Sciences
Classification: Benign for MDN1-related condition. Last evaluated: 2019-06-06. Review status: no assertion criteria provided. Collection method: clinical testing. Allele origin: germline.
Comment: This variant is classified as benign based on ACMG/AMP sequence variant interpretation guidelines (Richards et al. 2015 PMID: 25741868, with internal and published modifications).